The following is an entry in ClinVar:

ClinVar aggregate classification (germline): Pathogenic/Likely pathogenic. Review status: criteria provided, multiple submitters, no conflicts (2 of 4 stars). 2 submissions from 2 submitters: Pathogenic (1); Likely pathogenic (1). Last evaluated 2024-08-21.

Conditions:
Autosomal recessive osteopetrosis 4. Also called: CLCN7-Related Osteopetrosis; infantile malignant CLCN7-related recessive osteopetrosis. Identifiers: Orphanet 667, MedGen C1969106, MONDO:0012676, OMIM 611490.
Autosomal dominant osteopetrosis 2. Also called: Osteosclerosis fragilis; Albers-Schönberg osteopetrosis; Albers-Schoenberg disease; Osteopetroses; Marble bones; Albers-Schonberg disease. Identifiers: Orphanet 53, MedGen C3179239, MONDO:0008156, OMIM 166600.
Hypopigmentation, organomegaly, and delayed myelination and development. Identifiers: MedGen C5203300, MONDO:0032805, OMIM 618541.

Allele frequency attached by ClinVar (database versions not stated): TOPMed below 0.00001.

Submissions (2):

Revvity Omics, Revvity
Classification: Likely pathogenic. Last evaluated: 2024-08-21. Review status: criteria provided, single submitter. Criteria: ACMG Guidelines, 2015. Collection method: clinical testing. Allele origin: germline.

Labcorp Genetics (formerly Invitae), Labcorp
Classification: Pathogenic. Last evaluated: 2022-09-25. Review status: criteria provided, single submitter. Criteria: Invitae Variant Classification Sherloc (09022015). Collection method: clinical testing. Allele origin: germline.
Comment: This sequence change creates a premature translational stop signal (p.Trp398*) in the CLCN7 gene. It is expected to result in an absent or disrupted protein product. Loss-of-function variants in CLCN7 are known to be pathogenic (PMID: 14584882, 19953639). This variant is not present in population databases (gnomAD no frequency). This variant has not been reported in the literature in individuals affected with CLCN7-related conditions. For these reasons, this variant has been classified as Pathogenic.

Literature cited by the submitters: PubMed 14584882 (cited by Labcorp Genetics (formerly Invitae), Labcorp); PubMed 19953639 (cited by Labcorp Genetics (formerly Invitae), Labcorp).

NM_001287.6(CLCN7):c.1194G>A (p.Trp398Ter)

Gene: CLCN7 (Cl-/H+ antiporter 7; minus strand). Cytogenetic location: 16p13.3.
Variant type: single nucleotide variant.
Coding change: c.1194G>A on transcript NM_001287.6 (MANE Select); coding-DNA position 1194, G replaced by A.
Protein change: p.Trp398Ter; replaces tryptophan 398 with a stop codon.
Molecular consequence: nonsense.
Genome position (GRCh38, 1-based): chr16:1,453,854, C>T on the plus strand (G>A on the coding strand, the complement: CLCN7 is on the minus strand). VCF-style: chr16-1453854-C-T. GRCh37 (hg19) VCF-style: chr16-1503855-C-T.
Other names: c.1122G>A, p.Trp374Ter (NM_001114331.3); c.1194G>A (NM_001287.5); short protein forms W374*, W398*.
Identifiers: ClinVar variation 1932544 (VCV001932544.7), dbSNP rs757198557, ClinGen allele CA394189368.